The following is an entry in ClinVar:

ClinVar aggregate classification (germline): Uncertain significance (1 of 4 stars; one submission).

Allele frequency attached by ClinVar (database versions not stated): gnomAD exomes below 0.00001.
gnomAD v4.1: 1 of 1,611,138 alleles (0.000062%); highest among the groups gnomAD compares: Non-Finnish European, 0.000085%; no homozygotes.

Submission:

Labcorp Genetics (formerly Invitae), Labcorp
Classification: Uncertain significance. Last evaluated: 2022-10-28. Review status: criteria provided, single submitter. Criteria: Invitae Variant Classification Sherloc (09022015). Collection method: clinical testing. Allele origin: germline.
Comment: In summary, the available evidence is currently insufficient to determine the role of this variant in disease. Therefore, it has been classified as a Variant of Uncertain Significance. Algorithms developed to predict the effect of missense changes on protein structure and function are either unavailable or do not agree on the potential impact of this missense change (SIFT: "Tolerated"; PolyPhen-2: "Possibly Damaging"; Align-GVGD: "Class C0"). This variant has not been reported in the literature in individuals affected with NAA35-related conditions. This variant is not present in population databases (gnomAD no frequency). This sequence change replaces asparagine, which is neutral and polar, with lysine, which is basic and polar, at codon 77 of the NAA35 protein (p.Asn77Lys).

NM_024635.4(NAA35):c.231C>G (p.Asn77Lys)

Gene: NAA35 (N-alpha-acetyltransferase 35, NatC auxiliary subunit; plus strand). Cytogenetic location: 9q21.33.
Variant type: single nucleotide variant.
Coding change: c.231C>G on transcript NM_024635.4 (MANE Select); coding-DNA position 231, C replaced by G.
Protein change: p.Asn77Lys; replaces asparagine 77 with lysine.
Molecular consequence: missense variant.
Genome position (GRCh38, 1-based): chr9:85,958,544, C>G. VCF-style: chr9-85958544-C-G. GRCh37 (hg19) VCF-style: chr9-88573459-C-G.
Other names: c.231C>G, p.Asn77Lys (NM_001321881.2, NM_001321882.2); short protein forms N77K.
Identifiers: ClinVar variation 2810317 (VCV002810317.3), dbSNP rs1829371631, ClinGen allele CA374012726.